The following is an entry in ClinVar:

ClinVar aggregate classification (germline): Pathogenic/Likely pathogenic. Review status: criteria provided, multiple submitters, no conflicts (2 of 4 stars). 2 submissions from 2 submitters: Pathogenic (1); Likely pathogenic (1). Last evaluated 2026-05-22.

Conditions:
Marfan syndrome (MFS). Also called: Marfan syndrome type 1; Marfan's syndrome; FBN1-Related Marfan Syndrome; MARFAN SYNDROME, TYPE I; Marfan syndrome, classic. Identifiers: Orphanet 284963, Orphanet 558, MedGen C0024796, MONDO:0007947, OMIM 154700.
Familial thoracic aortic aneurysm and aortic dissection (TAAD). Also called: Thoracic aortic aneurysms and dissections. Identifiers: Orphanet 91387, MedGen C4707243, MONDO:0019625.
FBN1-related disorder. Also called: FBN1-related disorders.

Submissions (2):

PreventionGenetics, part of Exact Sciences
Classification: Likely pathogenic for FBN1-related condition. Last evaluated: 2026-05-22. Review status: criteria provided, single submitter. Criteria: ACMG Guidelines, 2015. Collection method: clinical testing. Allele origin: germline.
Comment: The FBN1 c.3850T>A variant is predicted to result in the amino acid substitution p.Cys1284Ser. To our knowledge, this variant has not been reported in the literature or in a large population database (gnomAD), indicating this variant is rare. This variant substitutes a cysteine residue in the calcium-binding epidermal growth factor (cbEGF)-like domain, and variants that alter one of these cysteine residues are well-documented to cause Marfan syndrome or related phenotypes (Faivre et al. 2007. PubMed ID: 17701892; Drackley et al. 2024. PubMed ID: 39741318). Alternate missense changes at the same amino acid position (p.Cys1284Gly, p.Cys1284Arg, p.Cys1284Tyr) have also been reported in individuals with Marfan syndrome (Rommel et al. 2005. PubMed ID: 16220557; Söylen et al. 2009. PubMed ID: 19159394; Baetens et al. 2011. PubMed ID: 21542060). Taken together, the c.3850T>A (p.Cys1284Ser) variant is interpreted as likely pathogenic.

Labcorp Genetics (formerly Invitae), Labcorp
Classification: Pathogenic for Marfan syndrome; Familial thoracic aortic aneurysm and aortic dissection. Last evaluated: 2021-03-22. Review status: criteria provided, single submitter. Criteria: Invitae Variant Classification Sherloc (09022015). Collection method: clinical testing. Allele origin: germline.
Comment: This variant disrupts the p.Cys1284 amino acid residue in FBN1. Other variant(s) that disrupt this residue have been observed in individuals with FBN1-related conditions (PMID: 16220557, 19159394, 21542060), which suggests that this may be a clinically significant amino acid residue. For these reasons, this variant has been classified as Pathogenic. This variant affects a cysteine residue in the EGF-like, TGFBP or hybrid motif domains of FBN1. Cysteine residues are believed to be involved in intramolecular disulfide bridges and have been shown to be important for FBN1 protein structure (PMID: 16905551, 19349279). In addition, missense substitutions affecting cysteine residues within these domains are significantly overrepresented among patients with Marfan syndrome (PMID: 16571647, 17701892). Advanced modeling of protein sequence and biophysical properties (such as structural, functional, and spatial information, amino acid conservation, physicochemical variation, residue mobility, and thermodynamic stability) performed at Invitae indicates that this missense variant is expected to disrupt FBN1 protein function. This variant has not been reported in the literature in individuals with FBN1-related conditions. This variant is not present in population databases (ExAC no frequency). This sequence change replaces cysteine with serine at codon 1284 of the FBN1 protein (p.Cys1284Ser). The cysteine residue is highly conserved and there is a moderate physicochemical difference between cysteine and serine.

Literature cited by the submitters: PubMed 16220557 (cited by Labcorp Genetics (formerly Invitae), Labcorp); PubMed 19159394 (cited by Labcorp Genetics (formerly Invitae), Labcorp); PubMed 21542060 (cited by Labcorp Genetics (formerly Invitae), Labcorp); PubMed 16905551 (cited by Labcorp Genetics (formerly Invitae), Labcorp); PubMed 19349279 (cited by Labcorp Genetics (formerly Invitae), Labcorp); PubMed 16571647 (cited by Labcorp Genetics (formerly Invitae), Labcorp); PubMed 17701892 (cited by Labcorp Genetics (formerly Invitae), Labcorp).

NM_000138.5(FBN1):c.3850T>A (p.Cys1284Ser)

Gene: FBN1 (fibrillin 1; minus strand). Cytogenetic location: 15q21.1.
Variant type: single nucleotide variant.
Coding change: c.3850T>A on transcript NM_000138.5 (MANE Select); coding-DNA position 3850, T replaced by A.
Protein change: p.Cys1284Ser; replaces cysteine 1284 with serine.
Molecular consequence: missense variant.
Genome position (GRCh38, 1-based): chr15:48,481,769, A>T on the plus strand (T>A on the coding strand, the complement: FBN1 is on the minus strand). VCF-style: chr15-48481769-A-T. GRCh37 (hg19) VCF-style: chr15-48773966-A-T.
Other names: c.3850T>A (NM_000138.4); short protein forms C1284S.
Identifiers: ClinVar variation 1393053 (VCV001393053.9), dbSNP rs2043467154, ClinGen allele CA392322573.